The following is an entry in ClinVar:

ClinVar aggregate classification (germline): Pathogenic (1 of 4 stars; one submission).

Submission:

Labcorp Genetics (formerly Invitae), Labcorp
Classification: Pathogenic. Last evaluated: 2025-03-25. Review status: criteria provided, single submitter. Criteria: Invitae Variant Classification Sherloc (09022015). Collection method: clinical testing. Allele origin: germline.
Comment: This sequence change creates a premature translational stop signal (p.Ser165Argfs*11) in the RP2 gene. It is expected to result in an absent or disrupted protein product. Loss-of-function variants in RP2 are known to be pathogenic (PMID: 11992260, 20625056). This variant is not present in population databases (gnomAD no frequency). This variant has not been reported in the literature in individuals affected with RP2-related conditions. Algorithms developed to predict the effect of sequence changes on RNA splicing suggest that this variant may create or strengthen a splice site. For these reasons, this variant has been classified as Pathogenic.

Literature cited by the submitters: PubMed 11992260; PubMed 20625056.

NM_006915.3(RP2):c.488_494dup (p.Ser165fs)

Gene: RP2 (RP2 activator of ARL3 GTPase; plus strand). Cytogenetic location: Xp11.3.
Variant type: Duplication.
Coding change: c.488_494dup on transcript NM_006915.3 (MANE Select); coding-DNA positions 488 to 494, 7 bases duplicated (GGCTAAG; older notation c.488_494dupGGCTAAG).
Protein change: p.Ser165fs; shifts the reading frame from serine 165.
Molecular consequence: frameshift variant.
Genome position (GRCh38, 1-based): chrX:46,853,861-46,853,867, GGCTAAG duplicated; duplicating any 7 consecutive bases within chrX:46,853,859-46,853,867 gives the same sequence; the c. name uses the placement nearest the transcript's 3' end. VCF-style (leftmost placement, unchanged base first): chrX-46853858-C-CAGGGCTA. GRCh37 (hg19) VCF-style: chrX-46713293-C-CAGGGCTA.
Other names: short protein forms S165fs.
Identifiers: ClinVar variation 4715828 (VCV004715828.1).